The following is an entry in ClinVar:

NM_004656.4(BAP1):c.778C>T (p.Gln260Ter)

Gene: BAP1 (BRCA1 associated deubiquitinase 1; minus strand). Cytogenetic location: 3p21.1.
Variant type: single nucleotide variant.
Coding change: c.778C>T on transcript NM_004656.4 (MANE Select); coding-DNA position 778, C replaced by T.
Protein change: p.Gln260Ter; replaces glutamine 260 with a stop codon.
Molecular consequence: nonsense.
Genome position (GRCh38, 1-based): chr3:52,406,258, G>A on the plus strand (C>T on the coding strand, the complement: BAP1 is on the minus strand). VCF-style: chr3-52406258-G-A. GRCh37 (hg19) VCF-style: chr3-52440274-G-A.
Other names: short protein forms Q260*.
Identifiers: ClinVar variation 220590 (VCV000220590.12), dbSNP rs864622592, ClinGen allele CA349297.

ClinVar aggregate classification (germline): Pathogenic. Review status: criteria provided, multiple submitters, no conflicts (2 of 4 stars). 3 submissions from 3 submitters: Pathogenic (3). Last evaluated 2026-04-22.

Conditions:
Hereditary cancer-predisposing syndrome. Also called: Tumor predisposition; Hereditary neoplastic syndrome; Neoplastic Syndromes, Hereditary; Hereditary Cancer Syndrome. Identifiers: Orphanet 140162, MedGen C0027672, MeSH D009386, MONDO:0015356.
BAP1-related tumor predisposition syndrome (TPDS1). Also called: COMMON Syndrome; TUMOR PREDISPOSITION SYNDROME 1; Tumor susceptibility linked to germline BAP1 mutations; BAP1 tumor predisposition syndrome. Identifiers: Orphanet 289539, MedGen C3280492, MONDO:0013692, OMIM 614327.

gnomAD v4.1: 1 of 1,614,180 alleles (0.000062%); highest among the groups gnomAD compares: Admixed American, 0.0017%; no homozygotes.

Submissions (3):

Myriad Genetics, Inc.
Classification: Pathogenic for BAP1-related tumor predisposition syndrome. Last evaluated: 2026-04-22. Review status: criteria provided, single submitter. Criteria: Myriad Autosomal Dominant, Autosomal Recessive and X-Linked Classification Criteria (2023). Collection method: clinical testing. Allele origin: unknown.
Comment: This variant is considered pathogenic. This variant creates a termination codon and is predicted to result in premature protein truncation.

Ambry Genetics
Classification: Pathogenic for Hereditary cancer-predisposing syndrome. Last evaluated: 2024-09-10. Review status: criteria provided, single submitter. Criteria: Ambry Variant Classification Scheme 2023. Collection method: clinical testing. Allele origin: germline.
Comment: The p.Q260* pathogenic mutation (also known as c.778C>T), located in coding exon 9 of the BAP1 gene, results from a C to T substitution at nucleotide position 778. This changes the amino acid from a glutamine to a stop codon within coding exon 9. This variant has been observed in at least one individual with a personal and/or family history that is consistent with BAP1-related tumor predisposition syndrome (Ambry internal data).This alteration has also been identified in individuals diagnosed with mesothelioma and/or cutaneous melanomas (Panou V et al. J Clin Oncol, 2018 10;36:2863-2871; Walpole S et al. J Natl Cancer Inst, 2018 12;110:1328-1341). This variant is considered to be rare based on population cohorts in the Genome Aggregation Database (gnomAD). In addition to the clinical data presented in the literature, this alteration is expected to result in loss of function by premature protein truncation or nonsense-mediated mRNA decay. As such, this alteration is interpreted as a disease-causing mutation.

Labcorp Genetics (formerly Invitae), Labcorp
Classification: Pathogenic for BAP1-related tumor predisposition syndrome. Last evaluated: 2023-12-19. Review status: criteria provided, single submitter. Criteria: Invitae Variant Classification Sherloc (09022015). Collection method: clinical testing. Allele origin: germline.
Comment: This sequence change creates a premature translational stop signal (p.Gln260*) in the BAP1 gene. It is expected to result in an absent or disrupted protein product. Loss-of-function variants in BAP1 are known to be pathogenic (PMID: 21874000, 23684012). This variant is not present in population databases (gnomAD no frequency). This variant has not been reported in the literature in individuals affected with BAP1-related conditions. ClinVar contains an entry for this variant (Variation ID: 220590). For these reasons, this variant has been classified as Pathogenic.

Literature cited by the submitters: PubMed 30113886 (cited by Ambry Genetics); PubMed 30517737 (cited by Ambry Genetics); PubMed 21874000 (cited by Labcorp Genetics (formerly Invitae), Labcorp); PubMed 23684012 (cited by Labcorp Genetics (formerly Invitae), Labcorp).